The following is an entry in ClinVar:

NM_000455.5(STK11):c.465-12_465-5del

Gene: STK11 (serine/threonine kinase 11; plus strand). Cytogenetic location: 19p13.3.
Variant type: Deletion.
Coding change: c.465-12_465-5del on transcript NM_000455.5 (MANE Select); 12 bases into the intron before coding-DNA position 465 through 5 bases into the intron before coding-DNA position 465, 8 bases deleted (TGCTGCCC; older notation c.465-12_465-5delTGCTGCCC).
Molecular consequence: intron variant.
Genome position (GRCh38, 1-based): chr19:1,220,361-1,220,368, TGCTGCCC deleted. VCF-style (leftmost placement, unchanged base first): chr19-1220360-GTGCTGCCC-G. GRCh37 (hg19) VCF-style: chr19-1220359-GTGCTGCCC-G.
Other names: c.465-12_465-5del (NM_001407255.1).
Identifiers: ClinVar variation 3649569 (VCV003649569.2).

ClinVar aggregate classification (germline): Uncertain significance (1 of 4 stars; one submission).

Conditions:
Peutz-Jeghers syndrome (PJS). Also called: POLYPOSIS, HAMARTOMATOUS INTESTINAL; POLYPS-AND-SPOTS SYNDROME; Peutz-Jeghers polyposis; Periorificial lentiginosis syndrome. Identifiers: Orphanet 2869, MedGen C0031269, MeSH D010580, MONDO:0008280, OMIM 175200.

Submission:

Labcorp Genetics (formerly Invitae), Labcorp
Classification: Uncertain significance for Peutz-Jeghers syndrome. Last evaluated: 2024-04-18. Review status: criteria provided, single submitter. Criteria: Invitae Variant Classification Sherloc (09022015). Collection method: clinical testing. Allele origin: germline.
Comment: This sequence change falls in intron 3 of the STK11 gene. It does not directly change the encoded amino acid sequence of the STK11 protein. This variant is not present in population databases (gnomAD no frequency). This variant has not been reported in the literature in individuals affected with STK11-related conditions. Algorithms developed to predict the effect of sequence changes on RNA splicing suggest that this variant may disrupt the consensus splice site. In summary, the available evidence is currently insufficient to determine the role of this variant in disease. Therefore, it has been classified as a Variant of Uncertain Significance.